The following is an entry in ClinVar:

ClinVar aggregate classification (germline): Pathogenic. Review status: criteria provided, multiple submitters, no conflicts (2 of 4 stars). 4 submissions from 4 submitters: Pathogenic (4). Last evaluated 2025-11-17.

Conditions:
Hereditary cancer-predisposing syndrome. Also called: Neoplastic Syndromes, Hereditary; Tumor predisposition; Hereditary Cancer Syndrome; Hereditary neoplastic syndrome. Identifiers: Orphanet 140162, MedGen C0027672, MeSH D009386, MONDO:0015356.
Familial cancer of breast. Also called: BREAST CANCER, FAMILIAL; hereditary breast carcinoma; Hereditary breast cancer. Identifiers: Orphanet 227535, MedGen C0346153, MONDO:0016419, OMIM 114480. Disease mechanism: loss of function.

Submissions (4):

Ambry Genetics
Classification: Pathogenic for Hereditary cancer-predisposing syndrome. Last evaluated: 2025-11-17. Review status: criteria provided, single submitter. Criteria: Ambry Variant Classification Scheme 2023. Collection method: clinical testing. Allele origin: germline.
Comment: The c.876dupT pathogenic mutation, located in coding exon 7 of the CHEK2 gene, results from a duplication of T at nucleotide position 876, causing a translational frameshift with a predicted alternate stop codon (p.D293*). This variant is considered to be rare based on population cohorts in the Genome Aggregation Database (gnomAD). This alteration is expected to result in loss of function by premature protein truncation or nonsense-mediated mRNA decay. As such, this alteration is interpreted as a disease-causing mutation.

Myriad Genetics, Inc.
Classification: Pathogenic for Familial cancer of breast. Last evaluated: 2023-06-27. Review status: criteria provided, single submitter. Criteria: Myriad Autosomal Dominant, Autosomal Recessive and X-Linked Classification Criteria (2023). Collection method: clinical testing. Allele origin: unknown.
Comment: This variant is considered pathogenic. This variant creates a termination codon and is predicted to result in premature protein truncation.

Labcorp Genetics (formerly Invitae), Labcorp
Classification: Pathogenic for Familial cancer of breast. Last evaluated: 2022-02-28. Review status: criteria provided, single submitter. Criteria: Invitae Variant Classification Sherloc (09022015). Collection method: clinical testing. Allele origin: germline.
Comment: For these reasons, this variant has been classified as Pathogenic. This sequence change creates a premature translational stop signal (p.Asp293*) in the CHEK2 gene. It is expected to result in an absent or disrupted protein product. Loss-of-function variants in CHEK2 are known to be pathogenic (PMID: 21876083, 24713400). This variant is not present in population databases (gnomAD no frequency). This variant has not been reported in the literature in individuals affected with CHEK2-related conditions. ClinVar contains an entry for this variant (Variation ID: 234121). Algorithms developed to predict the effect of sequence changes on RNA splicing suggest that this variant may disrupt the consensus splice site.

GeneDx
Classification: Pathogenic. Last evaluated: 2017-08-10. Review status: criteria provided, single submitter. Criteria: GeneDx Variant Classification (06012015). Collection method: clinical testing. Allele origin: germline. Affected: yes.
Comment: This variant is denoted CHEK2 c.876dupT->T at the cDNA level and p.Asp293Ter (D293X) at the protein level. The substitution creates a nonsense variant, which changes an Aspartic Acid to a premature stop codon (GAT>TGA), and is predicted to cause loss of normal protein function through either protein truncation or nonsense-mediated mRNA decay. This variant has not, to our knowledge, been published in the literature as a germline variant; however, it has been reported as a somatic variant in a diffuse large B cell lymphoma sample (de Miranda 2013) and is considered pathogenic.

Literature cited by the submitters: PubMed 21876083 (cited by Labcorp Genetics (formerly Invitae), Labcorp); PubMed 24713400 (cited by Labcorp Genetics (formerly Invitae), Labcorp).

NM_007194.4(CHEK2):c.876dup (p.Asp293Ter)

Gene: CHEK2 (checkpoint kinase 2; minus strand). Cytogenetic location: 22q12.1.
Variant type: Duplication.
Coding change: c.876dup on transcript NM_007194.4 (MANE Select); coding-DNA position 876, one base duplicated (T; older notation c.876dupT).
Protein change: p.Asp293Ter; replaces aspartic acid 293 with a stop codon.
Molecular consequence: nonsense. On other transcripts: frameshift variant (4).
Genome position (GRCh38, 1-based): chr22:28,703,537, A duplicated on the plus strand (T on the coding strand, the reverse complement: CHEK2 is on the minus strand); the first of 6 consecutive A bases (chr22:28,703,537-28,703,542); duplicating any one gives the same sequence. VCF-style (leftmost placement, unchanged base first): chr22-28703536-C-CA. GRCh37 (hg19) VCF-style: chr22-29099524-C-CA.
Other names: c.1000dup, p.Asp336Terfs (NM_001005735.3); c.208dup, p.Asp72Terfs (NM_001257387.3); c.670dup, p.Asp226Terfs (NM_001349956.3); c.871dup, p.Asp293Terfs (NM_145862.3); short protein forms D226*, D293*, D336*, D72*.
Identifiers: ClinVar variation 234121 (VCV000234121.17), dbSNP rs772683219, ClinGen allele CA10581070.
Genomic context (GRCh38, chr22:28,703,536, plus strand): 5'-CAGAAATTTTTAAAAAGTTTACTACTTACAATTCCAAAACAATATAATAATCTTCTGCAT[C>CA]AAAAAAGTTTTTAATCTTGATGATGCAAGGCTAAGAAGAGGGGGAGAAAAAAGGGAAAGT-3'